The following is an entry in ClinVar:

NM_001372066.1(TFAP2A):c.65G>T (p.Gly22Val)

Gene: TFAP2A (transcription factor AP-2 alpha; minus strand). Cytogenetic location: 6p24.3.
Variant type: single nucleotide variant.
Coding change: c.65G>T on transcript NM_001372066.1 (MANE Select); coding-DNA position 65, G replaced by T.
Protein change: p.Gly22Val; replaces glycine 22 with valine.
Molecular consequence: missense variant.
Genome position (GRCh38, 1-based): chr6:10,410,322, C>A on the plus strand (G>T on the coding strand, the complement: TFAP2A is on the minus strand). VCF-style: chr6-10410322-C-A. GRCh37 (hg19) VCF-style: chr6-10410555-C-A.
Other names: NM_003220.2:c.59G>T; c.41G>T, p.Gly14Val (NM_001032280.3); c.47G>T, p.Gly16Val (NM_001042425.3); short protein forms G14V, G22V, G16V.
Identifiers: ClinVar variation 2890753 (VCV002890753.4), dbSNP rs143258135, ClinGen allele CA3631416.
Genomic context (GRCh38, chr6:10,410,322, plus strand): 5'-GTGTAGGGAGATTGACCTACAGTGCCCAGCTGGGGCAACCGTGCCGTCCCGTTGCTGGTG[C>A]CGTCGTGACGGTCCTAGAAGAGAGCGAGAGGAAAGGTAAAGAACAAGGAATCAGGCGTCG-3'
Protein context (NP_001358995.1, residues 12-32): KYEDCEDRHD[Gly22Val]TSNGTARLPQ

ClinVar aggregate classification (germline): Uncertain significance. Review status: criteria provided, multiple submitters, no conflicts (2 of 4 stars). 2 submissions from 2 submitters: Uncertain significance (2). Last evaluated 2024-12-24.

Conditions:
TFAP2A-related disorder. Also called: TFAP2A-related condition.

Allele frequency attached by ClinVar (database versions not stated): ESP Exome Variant Server 0.00008.
gnomAD v4.1: 67 of 1,611,474 alleles (0.0042%); highest among the groups gnomAD compares: African/African-American, 0.043%; no homozygotes.

Submissions (2):

Labcorp Genetics (formerly Invitae), Labcorp
Classification: Uncertain significance. Last evaluated: 2024-12-24. Review status: criteria provided, single submitter. Criteria: Invitae Variant Classification Sherloc (09022015). Collection method: clinical testing. Allele origin: germline.
Comment: This sequence change replaces glycine, which is neutral and non-polar, with valine, which is neutral and non-polar, at codon 20 of the TFAP2A protein (p.Gly20Val). This variant is present in population databases (rs143258135, gnomAD 0.04%), and has an allele count higher than expected for a pathogenic variant. This variant has not been reported in the literature in individuals affected with TFAP2A-related conditions. ClinVar contains an entry for this variant (Variation ID: 2890753). Invitae Evidence Modeling of protein sequence and biophysical properties (such as structural, functional, and spatial information, amino acid conservation, physicochemical variation, residue mobility, and thermodynamic stability) indicates that this missense variant is not expected to disrupt TFAP2A protein function with a negative predictive value of 80%. In summary, the available evidence is currently insufficient to determine the role of this variant in disease. Therefore, it has been classified as a Variant of Uncertain Significance.

PreventionGenetics, part of Exact Sciences
Classification: Uncertain significance for TFAP2A-related condition. Last evaluated: 2024-12-19. Review status: criteria provided, single submitter. Criteria: ACMG Guidelines, 2015. Collection method: clinical testing. Allele origin: germline.
Comment: The TFAP2A c.59G>T variant is predicted to result in the amino acid substitution p.Gly20Val. To our knowledge, this variant has not been reported in the literature. This variant is reported in 0.045% of alleles in individuals of European (Finnish) descent in gnomAD. Although we suspect that this variant may be benign, at this time, the clinical significance of this variant is uncertain due to the absence of conclusive functional and genetic evidence.